The following is an entry in ClinVar:

ClinVar aggregate classification (germline): Conflicting classifications of pathogenicity. Review status: criteria provided, conflicting classifications (1 of 4 stars). 6 submissions from 6 submitters: Uncertain significance (5); Benign (1). Last evaluated 2025-11-18.

Conditions:
Hereditary cancer-predisposing syndrome. Also called: Tumor predisposition; Hereditary Cancer Syndrome; Neoplastic Syndromes, Hereditary; Hereditary neoplastic syndrome. Identifiers: Orphanet 140162, MedGen C0027672, MeSH D009386, MONDO:0015356.
Tuberous sclerosis syndrome (TSC). Also called: Tuberous sclerosis; Tuberous Sclerosis Complex. Identifiers: Orphanet 805, MedGen C0041341, MONDO:0001734.
Tuberous sclerosis 2 (TSC2). Identifiers: Orphanet 805, MedGen C1860707, MONDO:0013199, OMIM 613254.

Allele frequency attached by ClinVar (database versions not stated): TOPMed 0.00001.
gnomAD v4.1: 5 of 1,607,174 alleles (0.00031%); highest among the groups gnomAD compares: East Asian, 0.0022%; no homozygotes.

Submissions (6):

Labcorp Genetics (formerly Invitae), Labcorp
Classification: Benign for Tuberous sclerosis 2. Last evaluated: 2025-11-18. Review status: criteria provided, single submitter. Criteria: Invitae Variant Classification Sherloc (09022015). Collection method: clinical testing. Allele origin: germline.

Color Diagnostics, LLC DBA Color Health
Classification: Uncertain significance for Tuberous sclerosis syndrome. Last evaluated: 2025-06-24. Review status: criteria provided, single submitter. Criteria: ACMG Guidelines, 2015. Collection method: clinical testing. Allele origin: germline.
Comment: This missense variant replaces arginine with proline at codon 1122 of the TSC2 protein. Computational prediction is inconclusive regarding the impact of this variant on protein structure and function. To our knowledge, functional studies have not been reported for this variant. This variant has not been reported in individuals affected with TSC2-related disorders in the literature. This variant has not been identified in the general population by the Genome Aggregation Database (gnomAD). The available evidence is insufficient to determine the role of this variant in disease conclusively. Therefore, this variant is classified as a Variant of Uncertain Significance.

Ambry Genetics
Classification: Uncertain significance for Hereditary cancer-predisposing syndrome. Last evaluated: 2025-06-13. Review status: criteria provided, single submitter. Criteria: Ambry Variant Classification Scheme 2023. Collection method: clinical testing. Allele origin: germline.
Comment: The p.R1122P variant (also known as c.3365G>C), located in coding exon 28 of the TSC2 gene, results from a G to C substitution at nucleotide position 3365. The arginine at codon 1122 is replaced by proline, an amino acid with dissimilar properties. This variant was detected as heterozygous in individuals with no reported features of tuberous sclerosis complex (Ambry internal data). This amino acid position is not well conserved in available vertebrate species. In addition, this alteration is predicted to be deleterious by in silico analysis. Based on the available evidence, the clinical significance of this variant remains unclear.

Clinical Genomics Laboratory, Washington University in St. Louis
Classification: Uncertain significance for Tuberous sclerosis 2. Last evaluated: 2025-04-15. Review status: criteria provided, single submitter. Criteria: ACMG Guidelines, 2015. Collection method: clinical testing. Allele origin: germline.
Comment: A TSC2 c.3365G>C (p.Arg1122Pro) variant was identified at a near heterozygous allelic fraction of 47.9%, a frequency which may be consistent with germline origin. This variant, to our knowledge, has not been reported in the medical literature but has been reported in the ClinVar database as a germline variant of uncertain significance by four submitters (ClinVar Variation ID: 451736). It is only observed on 5/1,607,174 alleles in the general population (gnomAD v.4.1.0), indicating it is not a common variant. Computational predictors are uncertain as to the impact of this variant on TSC2 function. Due to limited information, and based on ACMG/AMP guidelines for variant interpretation (Richards S et al., PMID: 25741868), the clinical significance of this variant is uncertain at this time.

Genome-Nilou Lab
Classification: Uncertain significance for Tuberous sclerosis 2. Last evaluated: 2021-11-07. Review status: criteria provided, single submitter. Criteria: ACMG Guidelines, 2015. Collection method: clinical testing. Allele origin: germline. Affected: no.

GeneDx
Classification: Uncertain significance. Last evaluated: 2018-07-09. Review status: criteria provided, single submitter. Criteria: GeneDx Variant Classification (06012015). Collection method: clinical testing. Allele origin: germline. Affected: yes.
Comment: A variant of uncertain significance has been identified in the TSC2 gene. The R1122P variant has not been published as a pathogenic variant, nor has it been reported as a benign variant to our knowledge. The R1122P variant is not observed in large population cohorts (Lek et al., 2016; 1000 Genomes Consortium et al., 2015; Exome Variant Server). The R1122P variant is a non-conservative amino acid substitution, which is likely to impact secondary protein structure as these residues differ in polarity, charge, size and/or other properties. However, this substitution occurs at a position that is not conserved. Additionally, this substitution does not occur within known functional domains of the tuberin protein, where many pathogenic missense variants have been identified (Northrup et al., 2011; Au et al., 2007). In silico analysis is inconsistent in its predictions as to whether or not the variant is damaging to the protein structure/function. Therefore, based on the currently available information, it is unclear whether this variant is a pathogenic variant or a rare benign variant.

NM_000548.5(TSC2):c.3365G>C (p.Arg1122Pro)

Gene: TSC2 (TSC complex subunit 2; plus strand). Cytogenetic location: 16p13.3.
Variant type: single nucleotide variant.
Coding change: c.3365G>C on transcript NM_000548.5 (MANE Select); coding-DNA position 3365, G replaced by C.
Protein change: p.Arg1122Pro; replaces arginine 1122 with proline.
Molecular consequence: missense variant.
Genome position (GRCh38, 1-based): chr16:2,079,637, G>C. VCF-style: chr16-2079637-G-C. GRCh37 (hg19) VCF-style: chr16-2129638-G-C.
Other names: c.3233G>C, p.Arg1078Pro (NM_001077183.3, NM_001370404.1); c.3365G>C, p.Arg1122Pro (NM_001114382.3); c.3125G>C, p.Arg1042Pro (NM_001318827.2); c.3089G>C, p.Arg1030Pro (NM_001318829.2); c.2633G>C, p.Arg878Pro (NM_001318831.2); c.3266G>C, p.Arg1089Pro (NM_001318832.2); c.3236G>C, p.Arg1079Pro (NM_001363528.2, NM_001370405.1, NM_021055.3); short protein forms R1122P, R1030P, R878P, R1089P, R1078P, R1079P, R1042P.
Identifiers: ClinVar variation 451736 (VCV000451736.18), dbSNP rs369536711, ClinGen allele CA276746167.